The following continues an entry in ClinVar:

NM_001166114.2(PNPLA6):c.1252+17C>A

Gene: PNPLA6. ClinVar aggregate classification (germline): Benign. Benign (3).

Submissions 33 to 43 of 43:

Dr. Peter K. Rogan Lab, Western University
No classification provided (evidence only). Condition: Uterine carcinosarcoma. Review status: no classification provided. Collection method: in vitro. Allele origin: not applicable. Functional consequence: retained intron. Not counted in ClinVar's aggregate classification.

Dr. Peter K. Rogan Lab, Western University
No classification provided (evidence only). Condition: Uveal melanoma. Review status: no classification provided. Collection method: in vitro. Allele origin: not applicable. Functional consequence: retained intron. Not counted in ClinVar's aggregate classification.

Dr. Peter K. Rogan Lab, Western University
No classification provided (evidence only). Condition: Malignant tumor of esophagus. Review status: no classification provided. Collection method: in vitro. Allele origin: not applicable. Functional consequence: retained intron. Not counted in ClinVar's aggregate classification.

Dr. Peter K. Rogan Lab, Western University
No classification provided (evidence only). Condition: Malignant tumor of esophagus. Review status: no classification provided. Collection method: in vitro. Allele origin: not applicable. Functional consequence: retained intron. Not counted in ClinVar's aggregate classification.

Dr. Peter K. Rogan Lab, Western University
No classification provided (evidence only). Condition: Malignant tumor of esophagus. Review status: no classification provided. Collection method: in vitro. Allele origin: not applicable. Functional consequence: retained intron. Not counted in ClinVar's aggregate classification.

Dr. Peter K. Rogan Lab, Western University
No classification provided (evidence only). Condition: Malignant tumor of esophagus. Review status: no classification provided. Collection method: in vitro. Allele origin: not applicable. Functional consequence: retained intron. Not counted in ClinVar's aggregate classification.

Dr. Peter K. Rogan Lab, Western University
No classification provided (evidence only). Condition: Malignant tumor of esophagus. Review status: no classification provided. Collection method: in vitro. Allele origin: not applicable. Functional consequence: retained intron. Not counted in ClinVar's aggregate classification.

Dr. Peter K. Rogan Lab, Western University
No classification provided (evidence only). Condition: Malignant tumor of esophagus. Review status: no classification provided. Collection method: in vitro. Allele origin: not applicable. Functional consequence: retained intron. Not counted in ClinVar's aggregate classification.

Dr. Peter K. Rogan Lab, Western University
No classification provided (evidence only). Condition: Malignant tumor of esophagus. Review status: no classification provided. Collection method: in vitro. Allele origin: not applicable. Functional consequence: retained intron. Not counted in ClinVar's aggregate classification.

Dr. Peter K. Rogan Lab, Western University
No classification provided (evidence only). Condition: Malignant tumor of esophagus. Review status: no classification provided. Collection method: in vitro. Allele origin: not applicable. Functional consequence: retained intron. Not counted in ClinVar's aggregate classification.

Dr. Peter K. Rogan Lab, Western University
No classification provided (evidence only). Condition: Malignant tumor of esophagus. Review status: no classification provided. Collection method: in vitro. Allele origin: not applicable. Functional consequence: retained intron. Not counted in ClinVar's aggregate classification.